The following is an entry in ClinVar:

NM_016122.3(CEP83):c.408T>C (p.Asn136=)

Gene: CEP83 (centrosomal protein 83; minus strand). Cytogenetic location: 12q22.
Variant type: single nucleotide variant.
Coding change: c.408T>C on transcript NM_016122.3 (MANE Select); coding-DNA position 408, T replaced by C.
Protein change: p.Asn136=; no amino-acid change (asparagine 136 retained).
Molecular consequence: synonymous variant. On other transcripts: non-coding transcript variant (3), intron variant (2).
Genome position (GRCh38, 1-based): chr12:94,403,179, A>G on the plus strand (T>C on the coding strand, the complement: CEP83 is on the minus strand). VCF-style: chr12-94403179-A-G. GRCh37 (hg19) VCF-style: chr12-94796955-A-G.
Other names: p.Asn136=; c.408T>C, p.Asn136= (NM_001042399.2, NM_001346457.2, NM_001346460.2 and 3 more transcripts); c.96T>C, p.Asn32= (NM_001346458.2, NM_001346459.2, NM_001346462.2 and 2 more transcripts); c.324+8518T>C (NM_001368041.1); c.12+8518T>C (NM_001368042.1).
Identifiers: ClinVar variation 474964 (VCV000474964.39), dbSNP rs148769208, ClinGen allele CA6721960.

ClinVar aggregate classification (germline): Benign/Likely benign. Review status: criteria provided, multiple submitters, no conflicts (2 of 4 stars). 5 submissions from 5 submitters: Benign (3); Likely benign (2). Last evaluated 2026-09-01.

Conditions:
Nephronophthisis 18 (NPHP18). Identifiers: Orphanet 655, MedGen C3890591, MONDO:0014374, OMIM 615862.

Allele frequency attached by ClinVar (database versions not stated): 1000 Genomes Project 30x 0.00422; 1000 Genomes Project 0.00439; gnomAD 0.00728 and 0.00729; TOPMed 0.00801; ESP Exome Variant Server 0.00820; gnomAD exomes 0.00869 and 0.01107; ExAC 0.00956.
gnomAD v4.1: 16,225 of 1,523,042 alleles (1.1%); highest among the groups gnomAD compares: Non-Finnish European, 1.2%; 130 homozygotes.

Submissions (5):

CeGaT Center for Human Genetics Tuebingen
Classification: Benign. Last evaluated: 2026-09-01. Review status: criteria provided, single submitter. Criteria: CeGaT Center For Human Genetics Tuebingen Variant Classification Criteria Version 2. Collection method: clinical testing. Allele origin: germline. Affected: yes. Observed: 12 variant alleles.
Comment: CEP83: BP4, BS1, BS2

Labcorp Genetics (formerly Invitae), Labcorp
Classification: Benign for Nephronophthisis 18. Last evaluated: 2026-01-27. Review status: criteria provided, single submitter. Criteria: Invitae Variant Classification Sherloc (09022015). Collection method: clinical testing. Allele origin: germline.

Mayo Clinic Laboratories, Mayo Clinic
Classification: Benign. Last evaluated: 2024-01-31. Review status: criteria provided, single submitter. Criteria: ACMG Guidelines, 2015. Collection method: clinical testing. Allele origin: germline. Observed: 3 variant alleles.
Comment: BS1, BS2, BP4, BP7

GeneDx
Classification: Likely benign. Last evaluated: 2021-05-04. Review status: criteria provided, single submitter. Criteria: GeneDx Variant Classification Process June 2021. Collection method: clinical testing. Allele origin: germline. Affected: yes.

Breakthrough Genomics
Classification: Likely benign. Review status: criteria provided, single submitter. Criteria: ACMG Guidelines, 2015. Collection method: not provided. Allele origin: germline. Inheritance: Autosomal recessive inheritance. Affected: yes.